The following is an entry in ClinVar:

ClinVar aggregate classification (germline): Pathogenic (1 of 4 stars; one submission).

Submission:

Labcorp Genetics (formerly Invitae), Labcorp
Classification: Pathogenic. Last evaluated: 2022-02-05. Review status: criteria provided, single submitter. Criteria: Invitae Variant Classification Sherloc (09022015). Collection method: clinical testing. Allele origin: germline.
Comment: This variant is a gross deletion of the genomic region encompassing exon(s) 21-33 of the USH2A gene. This deletion is out-of-frame, and is expected to create a premature termination codon and result in an absent or disrupted protein product. Loss-of-function variants in USH2A are known to be pathogenic (PMID: 10729113, 10909849, 20507924, 25649381). A similar copy number variant has been observed in individual(s) with deafness (PMID: 29655801). For these reasons, this variant has been classified as Pathogenic.

Literature cited by the submitters: PubMed 10729113; PubMed 10909849; PubMed 20507924; PubMed 25649381; PubMed 29655801.

NC_000001.10:g.(?_216173735)_(216348834_?)del

Gene: USH2A (usherin; minus strand). Cytogenetic location: 1q41.
Variant type: Deletion.
Identifiers: ClinVar variation 2427734 (VCV002427734.3).